The following is an entry in ClinVar:

NM_002693.3(POLG):c.1389G>C (p.Leu463Phe)

Gene: POLG (DNA polymerase gamma, catalytic subunit; minus strand). Cytogenetic location: 15q26.1.
Variant type: single nucleotide variant.
Coding change: c.1389G>C on transcript NM_002693.3 (MANE Select); coding-DNA position 1389, G replaced by C.
Protein change: p.Leu463Phe; replaces leucine 463 with phenylalanine.
Molecular consequence: missense variant.
Genome position (GRCh38, 1-based): chr15:89,327,211, C>G on the plus strand (G>C on the coding strand, the complement: POLG is on the minus strand). VCF-style: chr15-89327211-C-G. GRCh37 (hg19) VCF-style: chr15-89870442-C-G.
Other names: c.1389G>C, p.Leu463Phe (NM_001126131.2); short protein forms L463F.
Identifiers: ClinVar variation 405577 (VCV000405577.7), dbSNP rs150828914, ClinGen allele CA7724867.

ClinVar aggregate classification (germline): Uncertain significance (1 of 4 stars; one submission).

Conditions:
Progressive sclerosing poliodystrophy (MTDPS4A). Also called: Mitochondrial DNA depletion syndrome 4A (Alpers type); Alpers Syndrome; ALPERS DIFFUSE DEGENERATION OF CEREBRAL GRAY MATTER WITH HEPATIC CIRRHOSIS; Mitochondrial DNA Depletion Syndrome 4A; Alpers-Huttenlocher Syndrome (AHS); ALPERS PROGRESSIVE INFANTILE POLIODYSTROPHY. Identifiers: Orphanet 726, MedGen C0205710, MONDO:0008758, OMIM 203700.

Submission:

Labcorp Genetics (formerly Invitae), Labcorp
Classification: Uncertain significance for Progressive sclerosing poliodystrophy. Last evaluated: 2025-12-08. Review status: criteria provided, single submitter. Criteria: Invitae Variant Classification Sherloc (09022015). Collection method: clinical testing. Allele origin: germline.
Comment: This sequence change replaces leucine, which is neutral and non-polar, with phenylalanine, which is neutral and non-polar, at codon 463 of the POLG protein (p.Leu463Phe). This variant is present in population databases (rs150828914, gnomAD 0.002%). This missense change has been observed in individual(s) with clinical features of POLG-related disorders (PMID: 17420318). ClinVar contains an entry for this variant (Variation ID: 405577). Invitae Evidence Modeling of protein sequence and biophysical properties (such as structural, functional, and spatial information, amino acid conservation, physicochemical variation, residue mobility, and thermodynamic stability) indicates that this missense variant is expected to disrupt POLG protein function with a positive predictive value of 95%. In summary, the available evidence is currently insufficient to determine the role of this variant in disease. Therefore, it has been classified as a Variant of Uncertain Significance.

Literature cited by the submitters: PubMed 17420318.